The following is an entry in ClinVar:

ClinVar aggregate classification (germline): Conflicting classifications of pathogenicity. Review status: criteria provided, conflicting classifications (1 of 4 stars). 3 submissions from 3 submitters: Uncertain significance (1); Likely benign (2). Last evaluated 2026-09-01.

Conditions:
Bethlem myopathy 1A. Also called: MYOPATHY, BENIGN CONGENITAL, WITH CONTRACTURES; Bethlem myopathy 1; Bethlem Muscular Dystrophy. Identifiers: Orphanet 610, MedGen CN029274, MONDO:0024530, OMIM 158810.

Allele frequency attached by ClinVar (database versions not stated): ExAC 0.00007; gnomAD 0.00007; ESP Exome Variant Server 0.00008; gnomAD exomes 0.00008; TOPMed 0.00009.
gnomAD v4.1: 131 of 1,614,048 alleles (0.0081%); highest among the groups gnomAD compares: Admixed American, 0.012%; no homozygotes.

Submissions (3):

CeGaT Center for Human Genetics Tuebingen
Classification: Likely benign. Last evaluated: 2026-09-01. Review status: criteria provided, single submitter. Criteria: CeGaT Center For Human Genetics Tuebingen Variant Classification Criteria Version 2. Collection method: clinical testing. Allele origin: germline. Affected: yes. Observed: 2 variant alleles.
Comment: COL6A3: BP4, BP7

Labcorp Genetics (formerly Invitae), Labcorp
Classification: Likely benign for Bethlem myopathy 1A. Last evaluated: 2025-10-01. Review status: criteria provided, single submitter. Criteria: Invitae Variant Classification Sherloc (09022015). Collection method: clinical testing. Allele origin: germline.

Eurofins Ntd Llc (ga)
Classification: Uncertain significance. Last evaluated: 2017-12-21. Review status: criteria provided, single submitter. Criteria: EGL Classification Definitions 2015. Collection method: clinical testing. Allele origin: germline. Observed: 1 variant allele, 1 heterozygote.

NM_004369.4(COL6A3):c.1977C>T (p.Arg659=)

Gene: COL6A3 (collagen type VI alpha 3 chain; minus strand). Cytogenetic location: 2q37.3.
Variant type: single nucleotide variant.
Coding change: c.1977C>T on transcript NM_004369.4 (MANE Select); coding-DNA position 1977, C replaced by T.
Protein change: p.Arg659=; no amino-acid change (arginine 659 retained).
Molecular consequence: synonymous variant. On other transcripts: intron variant (1).
Genome position (GRCh38, 1-based): chr2:237,379,156, G>A on the plus strand (C>T on the coding strand, the complement: COL6A3 is on the minus strand). VCF-style: chr2-237379156-G-A. GRCh37 (hg19) VCF-style: chr2-238287799-G-A.
Other names: c.756C>T, p.Arg252= (NM_057164.5); c.1359C>T, p.Arg453= (NM_057165.5, NM_057167.4); c.676+1759C>T (NM_057166.5).
Identifiers: ClinVar variation 476507 (VCV000476507.43), dbSNP rs141280228, ClinGen allele CA2189503.
Genomic context (GRCh38, chr2:237,379,156, plus strand): 5'-ACCAACACGAATATTGTCATTTCCAATATCAAGGCTGTTAACTAGGTTCATTACAAAGTC[G>A]CGCACATAAGGGAAATTGGTTTTTCCAACGTTGGCTGATCCATCCAAAAGAAAGATGATA-3'
Protein context (NP_004360.2, residues 649-669): NVGKTNFPYV[Arg659=]DFVMNLVNSL